The following is an entry in ClinVar:

ClinVar aggregate classification (germline): Uncertain significance. Review status: criteria provided, multiple submitters, no conflicts (2 of 4 stars). 2 submissions from 2 submitters: Uncertain significance (2). Last evaluated 2025-07-17.

Conditions:
Arrhythmogenic cardiomyopathy with wooly hair and keratoderma. Also called: Arrhythmogenic cardiomyopathy with woolly hair and keratoderma; PALMOPLANTAR KERATODERMA WITH LEFT VENTRICULAR CARDIOMYOPATHY AND WOOLLY HAIR; Carvajal syndrome; Dilated cardiomyopathy with woolly hair and keratoderma. Identifiers: Orphanet 65282, MedGen C1854063, MONDO:0011581, OMIM 605676.
Arrhythmogenic right ventricular dysplasia 8 (ARVD8). Also called: Arrhythmogenic Right Ventricular Dysplasia/Cardiomyopathy 8; ARRHYTHMOGENIC RIGHT VENTRICULAR DYSPLASIA, FAMILIAL, 8; ARRHYTHMOGENIC RIGHT VENTRICULAR CARDIOMYOPATHY 8. Identifiers: MedGen C1843896, MONDO:0011831, OMIM 607450.
Cardiomyopathy (CMYO). Also called: Cardiomyopathies. Identifiers: Orphanet 167848, MedGen C0878544, MONDO:0004994, HP:0001638. Inheritance: Various modes of inheritance.

Submissions (2):

Color Diagnostics, LLC DBA Color Health
Classification: Uncertain significance for Cardiomyopathy. Last evaluated: 2025-07-17. Review status: criteria provided, single submitter. Criteria: ACMG Guidelines, 2015. Collection method: clinical testing. Allele origin: germline.
Comment: This missense variant replaces asparagine with threonine at codon 2171 of the DSP protein. Computational prediction suggests that this variant may not impact protein structure and function. To our knowledge, functional studies have not been reported for this variant. This variant has not been reported in individuals affected with DSP-related disorders in the literature. This variant has not been identified in the general population by the Genome Aggregation Database (gnomAD). The available evidence is insufficient to determine the role of this variant in disease conclusively. Therefore, this variant is classified as a Variant of Uncertain Significance.

Labcorp Genetics (formerly Invitae), Labcorp
Classification: Uncertain significance for Arrhythmogenic cardiomyopathy with wooly hair and keratoderma; Arrhythmogenic right ventricular dysplasia 8. Last evaluated: 2023-04-13. Review status: criteria provided, single submitter. Criteria: Invitae Variant Classification Sherloc (09022015). Collection method: clinical testing. Allele origin: germline.
Comment: In summary, the available evidence is currently insufficient to determine the role of this variant in disease. Therefore, it has been classified as a Variant of Uncertain Significance. An algorithm developed to predict the effect of missense changes on protein structure and function (PolyPhen-2) suggests that this variant is likely to be tolerated. This sequence change replaces asparagine, which is neutral and polar, with threonine, which is neutral and polar, at codon 2171 of the DSP protein (p.Asn2171Thr). This variant is not present in population databases (gnomAD no frequency). This variant has not been reported in the literature in individuals affected with DSP-related conditions.

NM_004415.4(DSP):c.6512A>C (p.Asn2171Thr)

Gene: DSP (desmoplakin; plus strand). Cytogenetic location: 6p24.3.
Variant type: single nucleotide variant.
Coding change: c.6512A>C on transcript NM_004415.4 (MANE Select); coding-DNA position 6512, A replaced by C.
Protein change: p.Asn2171Thr; replaces asparagine 2171 with threonine.
Molecular consequence: missense variant.
Genome position (GRCh38, 1-based): chr6:7,583,774, A>C. VCF-style: chr6-7583774-A-C. GRCh37 (hg19) VCF-style: chr6-7584007-A-C.
Other names: c.4715A>C, p.Asn1572Thr (NM_001008844.3); c.5183A>C, p.Asn1728Thr (NM_001319034.2); short protein forms N2171T, N1572T, N1728T.
Identifiers: ClinVar variation 2942006 (VCV002942006.4), dbSNP rs2533941785, ClinGen allele CA362690950.